The following is an entry in ClinVar:

ClinVar aggregate classification (germline): Uncertain significance (1 of 4 stars; one submission).

Conditions:
Hereditary cancer-predisposing syndrome. Also called: Hereditary neoplastic syndrome; Neoplastic Syndromes, Hereditary; Tumor predisposition; Hereditary Cancer Syndrome. Identifiers: Orphanet 140162, MedGen C0027672, MeSH D009386, MONDO:0015356.

Submission:

Ambry Genetics
Classification: Uncertain significance for Hereditary cancer-predisposing syndrome. Last evaluated: 2025-04-18. Review status: criteria provided, single submitter. Criteria: Ambry Variant Classification Scheme 2023. Collection method: clinical testing. Allele origin: germline.
Comment: The p.L2005I variant (also known as c.6013C>A), located in coding exon 40 of the ATM gene, results from a C to A substitution at nucleotide position 6013. The leucine at codon 2005 is replaced by isoleucine, an amino acid with highly similar properties. This alteration was detected in a cohort of 96 pancreatic ductal adenocarcinoma patients (Hu C et al. Cancer Epidemiol Biomarkers Prev, 2016 Jan;25:207-11). This amino acid position is highly conserved in available vertebrate species. In addition, this alteration is predicted to be tolerated by in silico analysis. Since supporting evidence is limited at this time, the clinical significance of this alteration remains unclear.

Literature cited by the submitters: PubMed 26483394.

NM_000051.4(ATM):c.6013C>A (p.Leu2005Ile)

Genes: C11orf65 (chromosome 11 open reading frame 65; minus strand), ATM (ATM serine/threonine kinase; plus strand). Cytogenetic location: 11q22.3.
Variant type: single nucleotide variant.
Coding change: c.6013C>A on transcript NM_000051.4 (MANE Select); coding-DNA position 6013, C replaced by A.
Protein change: p.Leu2005Ile; replaces leucine 2005 with isoleucine.
Molecular consequence: missense variant. On other transcripts: intron variant (2).
Genome position (GRCh38, 1-based): chr11:108,315,829, C>A. VCF-style: chr11-108315829-C-A. GRCh37 (hg19) VCF-style: chr11-108186556-C-A.
Other names: c.6013C>A, p.Leu2005Ile (NM_001351834.2); c.641-6758G>T (NM_001330368.2); c.*39-6758G>T (NM_001351110.2); short protein forms L2005I.
Identifiers: ClinVar variation 1751084 (VCV001751084.3), dbSNP rs2136117678, ClinGen allele CA382549794.